The following is an entry in ClinVar:

ClinVar aggregate classification (germline): Uncertain significance (1 of 4 stars; one submission).

Conditions:
Cardiovascular phenotype. Identifiers: MedGen CN230736.

gnomAD v4.1: 1 of 1,614,182 alleles (0.000062%); highest among the groups gnomAD compares: Non-Finnish European, 0.000085%; no homozygotes.

Submission:

Ambry Genetics
Classification: Uncertain significance for Cardiovascular phenotype. Last evaluated: 2024-05-02. Review status: criteria provided, single submitter. Criteria: Ambry Variant Classification Scheme 2023. Collection method: clinical testing. Allele origin: germline.
Comment: The p.K41T variant (also known as c.122A>C), located in coding exon 2 of the ANKRD1 gene, results from an A to C substitution at nucleotide position 122. The lysine at codon 41 is replaced by threonine, an amino acid with similar properties. This amino acid position is conserved. In addition, the in silico prediction for this alteration is inconclusive. Based on the available evidence, the clinical significance of this variant remains unclear.

NM_014391.3(ANKRD1):c.122A>C (p.Lys41Thr)

Gene: ANKRD1 (ankyrin repeat domain 1; minus strand). Cytogenetic location: 10q23.31.
Variant type: single nucleotide variant.
Coding change: c.122A>C on transcript NM_014391.3 (MANE Select); coding-DNA position 122, A replaced by C.
Protein change: p.Lys41Thr; replaces lysine 41 with threonine.
Molecular consequence: missense variant.
Genome position (GRCh38, 1-based): chr10:90,920,254, T>G on the plus strand (A>C on the coding strand, the complement: ANKRD1 is on the minus strand). VCF-style: chr10-90920254-T-G. GRCh37 (hg19) VCF-style: chr10-92680011-T-G.
Other names: short protein forms K41T.
Identifiers: ClinVar variation 3296212 (VCV003296212.1).